The following is an entry in ClinVar:

NC_000004.11:g.(149041440_149073619)_(149116014_149181129)del

Gene: NR3C2 (nuclear receptor subfamily 3 group C member 2; minus strand). Cytogenetic location: 4q31.23.
Variant type: Deletion.
Identifiers: ClinVar variation 3068908 (VCV003068908.1).

ClinVar aggregate classification (germline): Pathogenic (1 of 4 stars; one submission).

Conditions:
NR3C2-related disorder. Also called: NR3C2-related disorders; NR3C2-related condition.

Submission:

Women's Health and Genetics/Laboratory Corporation of America, LabCorp
Classification: Pathogenic for NR3C2-Related Disorders. Last evaluated: 2024-02-06. Review status: criteria provided, single submitter. Criteria: LabCorp Variant Classification Summary - May 2015. Collection method: clinical testing. Allele origin: germline.
Comment: Variant summary: The variant involves the deletion of exons 4-6 in the NR3C2 gene. A presumed nomenclature of c.(1897+1_1898-1)_(2510+1_2511-1)del has been designated for the purposes of this classification. This Copy Number Variant (CNV) is expected to alter the reading frame and is predicted to result in a truncation or absence of the encoded protein due to nonsense mediated decay (NMD). The variant was absent in 21694 control chromosomes (gnomAD, structural variants dataset). To our knowledge, no occurrence of c.(1897+1_1898-1)_(2510+1_2511-1)del in individuals affected with NR3C2-Related Disorders and no experimental evidence demonstrating its impact on protein function have been reported. No submitters have cited clinical-significance assessments for this variant to ClinVar. Based on the evidence outlined above, the variant was classified as pathogenic.